The following is an entry in ClinVar:

NM_170606.3(KMT2C):c.11749G>A (p.Ala3917Thr)

Gene: KMT2C (lysine methyltransferase 2C; minus strand). Cytogenetic location: 7q36.1.
Variant type: single nucleotide variant.
Coding change: c.11749G>A on transcript NM_170606.3 (MANE Select); coding-DNA position 11749, G replaced by A.
Protein change: p.Ala3917Thr; replaces alanine 3917 with threonine.
Molecular consequence: missense variant.
Genome position (GRCh38, 1-based): chr7:152,156,268, C>T on the plus strand (G>A on the coding strand, the complement: KMT2C is on the minus strand). VCF-style: chr7-152156268-C-T. GRCh37 (hg19) VCF-style: chr7-151853353-C-T.
Other names: short protein forms A3917T.
Identifiers: ClinVar variation 4686946 (VCV004686946.1).

ClinVar aggregate classification (germline): Uncertain significance (1 of 4 stars; one submission).

Submission:

GeneDx
Classification: Uncertain significance. Last evaluated: 2025-07-24. Review status: criteria provided, single submitter. Criteria: GeneDx Variant Classification Process June 2021. Collection method: clinical testing. Allele origin: germline. Affected: yes.
Comment: Not observed at significant frequency in large population cohorts (gnomAD); In silico analysis suggests that this missense variant does not alter protein structure/function; Has not been previously published as pathogenic or benign to our knowledge